The following is an entry in ClinVar:

NM_182746.3(MCM4):c.515G>A (p.Arg172His)

Gene: MCM4 (minichromosome maintenance complex component 4; plus strand). Cytogenetic location: 8q11.21.
Variant type: single nucleotide variant.
Coding change: c.515G>A on transcript NM_182746.3 (MANE Select); coding-DNA position 515, G replaced by A.
Protein change: p.Arg172His; replaces arginine 172 with histidine.
Molecular consequence: missense variant.
Genome position (GRCh38, 1-based): chr8:47,962,777, G>A. VCF-style: chr8-47962777-G-A. GRCh37 (hg19) VCF-style: chr8-48875337-G-A.
Other names: c.515G>A, p.Arg172His (NM_005914.4); short protein forms R172H.
Identifiers: ClinVar variation 1044531 (VCV001044531.8), dbSNP rs369755637, ClinGen allele CA4742327.

ClinVar aggregate classification (germline): Uncertain significance (1 of 4 stars; one submission).

Allele frequency attached by ClinVar (database versions not stated): gnomAD 0.00001; gnomAD exomes 0.00002 and 0.00003; TOPMed 0.00003; ExAC 0.00006; ESP Exome Variant Server 0.00008.
gnomAD v4.1: 36 of 1,603,332 alleles (0.0022%); highest among the groups gnomAD compares: South Asian, 0.01%; 1 homozygote.

Submission:

Labcorp Genetics (formerly Invitae), Labcorp
Classification: Uncertain significance. Last evaluated: 2022-02-03. Review status: criteria provided, single submitter. Criteria: Invitae Variant Classification Sherloc (09022015). Collection method: clinical testing. Allele origin: germline.
Comment: This sequence change replaces arginine, which is basic and polar, with histidine, which is basic and polar, at codon 172 of the MCM4 protein (p.Arg172His). This variant is present in population databases (rs369755637, gnomAD 0.01%). This variant has not been reported in the literature in individuals affected with MCM4-related conditions. ClinVar contains an entry for this variant (Variation ID: 1044531). Algorithms developed to predict the effect of missense changes on protein structure and function output the following: SIFT: "Tolerated"; PolyPhen-2: "Benign"; Align-GVGD: "Class C0". The histidine amino acid residue is found in multiple mammalian species, which suggests that this missense change does not adversely affect protein function. In summary, the available evidence is currently insufficient to determine the role of this variant in disease. Therefore, it has been classified as a Variant of Uncertain Significance.